The following is an entry in ClinVar:

ClinVar aggregate classification (germline): Uncertain significance (1 of 4 stars; one submission).

gnomAD v4.1: 4 of 1,614,030 alleles (0.00025%); highest among the groups gnomAD compares: East Asian, 0.0022%; no homozygotes.

Submission:

Labcorp Genetics (formerly Invitae), Labcorp
Classification: Uncertain significance. Last evaluated: 2022-09-02. Review status: criteria provided, single submitter. Criteria: Invitae Variant Classification Sherloc (09022015). Collection method: clinical testing. Allele origin: germline.
Comment: In summary, the available evidence is currently insufficient to determine the role of this variant in disease. Therefore, it has been classified as a Variant of Uncertain Significance. Algorithms developed to predict the effect of missense changes on protein structure and function are either unavailable or do not agree on the potential impact of this missense change (SIFT: "Deleterious"; PolyPhen-2: "Probably Damaging"; Align-GVGD: "Class C15"). This variant has not been reported in the literature in individuals affected with FZD2-related conditions. This variant is present in population databases (rs746685961, gnomAD 0.006%). This sequence change replaces valine, which is neutral and non-polar, with methionine, which is neutral and non-polar, at codon 379 of the FZD2 protein (p.Val379Met).

NM_001466.4(FZD2):c.1135G>A (p.Val379Met)

Gene: FZD2 (frizzled class receptor 2; plus strand). Cytogenetic location: 17q21.31.
Variant type: single nucleotide variant.
Coding change: c.1135G>A on transcript NM_001466.4 (MANE Select); coding-DNA position 1135, G replaced by A.
Protein change: p.Val379Met; replaces valine 379 with methionine.
Molecular consequence: missense variant.
Genome position (GRCh38, 1-based): chr17:44,558,823, G>A. VCF-style: chr17-44558823-G-A. GRCh37 (hg19) VCF-style: chr17-42636191-G-A.
Other names: short protein forms V379M.
Identifiers: ClinVar variation 1897794 (VCV001897794.5), dbSNP rs746685961, ClinGen allele CA8604742.